The following is an entry in ClinVar:

NM_002691.4(POLD1):c.3231C>T (p.Pro1077=)

Gene: POLD1 (DNA polymerase delta 1, catalytic subunit; plus strand). Cytogenetic location: 19q13.33.
Variant type: single nucleotide variant.
Coding change: c.3231C>T on transcript NM_002691.4 (MANE Select); coding-DNA position 3231, C replaced by T.
Protein change: p.Pro1077=; no amino-acid change (proline 1077 retained).
Molecular consequence: synonymous variant. On other transcripts: non-coding transcript variant (1).
Genome position (GRCh38, 1-based): chr19:50,417,854, C>T. VCF-style: chr19-50417854-C-T. GRCh37 (hg19) VCF-style: chr19-50921111-C-T.
Other names: c.3231C>T, p.Pro1077= (NM_001256849.1); c.3309C>T, p.Pro1103= (NM_001308632.1).
Identifiers: ClinVar variation 239337 (VCV000239337.26), dbSNP rs770660636, ClinGen allele CA9596826.

ClinVar aggregate classification (germline): Conflicting classifications of pathogenicity. Review status: criteria provided, conflicting classifications (1 of 4 stars). 5 submissions from 5 submitters: Uncertain significance (1); Likely benign (4). Last evaluated 2025-11-24.

Conditions:
Hereditary cancer-predisposing syndrome. Also called: Hereditary Cancer Syndrome; Neoplastic Syndromes, Hereditary; Hereditary neoplastic syndrome; Tumor predisposition. Identifiers: Orphanet 140162, MedGen C0027672, MeSH D009386, MONDO:0015356.
POLD1-related polyposis and colorectal cancer syndrome (CRCS10). Also called: COLORECTAL CANCER, SUSCEPTIBILITY TO, ON CHROMOSOME 19q; Colorectal cancer 10; Colorectal cancer, susceptibility to, 10. Identifiers: Orphanet 220460, MedGen C2675481, MONDO:0012953, OMIM 612591.

Allele frequency attached by ClinVar (database versions not stated): gnomAD 0.00001; gnomAD exomes 0.00005; ExAC 0.00017.
gnomAD v4.1: 120 of 1,605,944 alleles (0.0075%); highest among the groups gnomAD compares: Non-Finnish European, 0.0099%; no homozygotes.

Submissions (5):

Labcorp Genetics (formerly Invitae), Labcorp
Classification: Likely benign for POLD1-related polyposis and colorectal cancer syndrome. Last evaluated: 2025-11-24. Review status: criteria provided, single submitter. Criteria: Invitae Variant Classification Sherloc (09022015). Collection method: clinical testing. Allele origin: germline.

Center for Genomic Medicine, Rigshospitalet, Copenhagen University Hospital
Classification: Likely benign. Last evaluated: 2025-03-04. Review status: criteria provided, single submitter. Criteria: ACMG Guidelines, 2015. Collection method: clinical testing. Allele origin: germline.

Quest Diagnostics Nichols Institute San Juan Capistrano
Classification: Likely benign. Last evaluated: 2018-09-04. Review status: criteria provided, single submitter. Criteria: Quest Diagnostics criteria. Collection method: clinical testing. Allele origin: germline.

GeneDx
Classification: Uncertain significance. Last evaluated: 2018-03-07. Review status: criteria provided, single submitter. Criteria: GeneDx Variant Classification (06012015). Collection method: clinical testing. Allele origin: germline. Affected: yes.
Comment: This variant is denoted POLD1 c.3231C>T at the DNA level. This variant is silent at the coding level, preserving a Proline at codon 1077. In silico analysis, which includes splice predictors and evolutionary conservation, supports that this variant does not alter protein structure/function. POLD1 c.3231C>T was observed at an allele frequency of 0.01% (12/102,644) in individuals of European ancestry in large population cohorts (Lek 2016). Based on currently available evidence, it is unclear whether POLD1 c.3231C>T is a pathogenic or benign variant. We consider it to be a variant of uncertain significance.

Ambry Genetics
Classification: Likely benign for Hereditary cancer-predisposing syndrome. Last evaluated: 2017-09-18. Review status: criteria provided, single submitter. Criteria: Ambry Variant Classification Scheme 2023. Collection method: clinical testing. Allele origin: germline.